The following is an entry in ClinVar:

ClinVar aggregate classification (germline): Likely benign (0 of 4 stars; one submission).

Conditions:
PPM1K-related disorder. Also called: PPM1K-related condition.

Allele frequency attached by ClinVar (database versions not stated): TOPMed below 0.00001.
gnomAD v4.1: 1 of 1,614,204 alleles (0.000062%); no homozygotes.

Submission:

PreventionGenetics, part of Exact Sciences
Classification: Likely benign for PPM1K-related condition. Last evaluated: 2019-08-28. Review status: no assertion criteria provided. Collection method: clinical testing. Allele origin: germline.
Comment: This variant is classified as likely benign based on ACMG/AMP sequence variant interpretation guidelines (Richards et al. 2015 PMID: 25741868, with internal and published modifications).

NM_152542.5(PPM1K):c.390T>C (p.Gly130=)

Gene: PPM1K (protein phosphatase, Mg2+/Mn2+ dependent 1K; minus strand). Cytogenetic location: 4q22.1.
Variant type: single nucleotide variant.
Coding change: c.390T>C on transcript NM_152542.5 (MANE Select); coding-DNA position 390, T replaced by C.
Protein change: p.Gly130=; no amino-acid change (glycine 130 retained).
Molecular consequence: synonymous variant.
Genome position (GRCh38, 1-based): chr4:88,278,194, A>G on the plus strand (T>C on the coding strand, the complement: PPM1K is on the minus strand). VCF-style: chr4-88278194-A-G. GRCh37 (hg19) VCF-style: chr4-89199346-A-G.
Identifiers: ClinVar variation 3053642 (VCV003053642.2), dbSNP rs1037229305, ClinGen allele CA101406042.